The following is an entry in ClinVar:

ClinVar aggregate classification (germline): Likely benign (0 of 4 stars; one submission).

Conditions:
HADHA-related disorder. Also called: HADHA-related condition; HADHA-related disorders.

Submission:

PreventionGenetics, part of Exact Sciences
Classification: Likely benign for HADHA-related condition. Last evaluated: 2023-07-13. Review status: no assertion criteria provided. Collection method: clinical testing. Allele origin: germline.
Comment: This variant is classified as likely benign based on ACMG/AMP sequence variant interpretation guidelines (Richards et al. 2015 PMID: 25741868, with internal and published modifications).

NM_000182.5(HADHA):c.1086-5del

Genes: GAREM2 (GRB2 associated regulator of MAPK1 subtype 2; plus strand), HADHA (hydroxyacyl-CoA dehydrogenase trifunctional multienzyme complex subunit alpha; minus strand). Cytogenetic location: 2p23.3.
Variant type: Deletion.
Coding change: c.1086-5del on transcript NM_000182.5 (MANE Select); 5 bases into the intron before coding-DNA position 1086, one base deleted (T; older notation c.1086-5delT).
Molecular consequence: intron variant.
Genome position (GRCh38, 1-based): chr2:26,204,201, A deleted on the plus strand (T on the coding strand, the reverse complement: HADHA is on the minus strand); the first of 2 consecutive A bases (chr2:26,204,201-26,204,202); deleting either gives the same sequence. VCF-style (leftmost placement, unchanged base first): chr2-26204200-CA-C. GRCh37 (hg19) VCF-style: chr2-26427069-CA-C.
Identifiers: ClinVar variation 3034661 (VCV003034661.2), dbSNP rs2465541178, ClinGen allele CA2740092780.